The following is an entry in ClinVar:

NC_000001.10:g.(?_216348574)_(216363729_?)dup

Gene: USH2A (usherin; minus strand). Cytogenetic location: 1q41.
Variant type: Duplication.
Identifiers: ClinVar variation 3248078 (VCV003248078.1).

ClinVar aggregate classification (germline): Likely pathogenic (1 of 4 stars; one submission).

Submission:

Labcorp Genetics (formerly Invitae), Labcorp
Classification: Likely pathogenic. Last evaluated: 2023-04-28. Review status: criteria provided, single submitter. Criteria: Invitae Variant Classification Sherloc (09022015). Collection method: clinical testing. Allele origin: unknown.
Comment: In summary, the currently available evidence indicates that the variant is pathogenic, but additional data are needed to prove that conclusively. Therefore, this variant has been classified as Likely Pathogenic. This variant has not been reported in the literature in individuals affected with USH2A-related conditions. This variant results in a copy number gain of the genomic region encompassing exon(s) 20-21 of the USH2A gene. While the exact position of this variant cannot be determined from the data, sub-genic copy number gains are generally in tandem (PMID: 25640679). This variant is predicted to be out-of-frame, and may result in an absent or disrupted protein product. Loss-of-function variants in USH2A are known to be pathogenic (PMID: 10729113, 10909849, 20507924, 25649381).

Literature cited by the submitters: PubMed 25640679; PubMed 10729113; PubMed 10909849; PubMed 20507924; PubMed 25649381.